The following is an entry in ClinVar:

NM_007254.4(PNKP):c.251A>C (p.Glu84Ala)

Gene: PNKP (polynucleotide kinase 3'-phosphatase; minus strand). Cytogenetic location: 19q13.33.
Variant type: single nucleotide variant.
Coding change: c.251A>C on transcript NM_007254.4 (MANE Select); coding-DNA position 251, A replaced by C.
Protein change: p.Glu84Ala; replaces glutamic acid 84 with alanine.
Molecular consequence: missense variant.
Genome position (GRCh38, 1-based): chr19:49,865,374, T>G on the plus strand (A>C on the coding strand, the complement: PNKP is on the minus strand). VCF-style: chr19-49865374-T-G. GRCh37 (hg19) VCF-style: chr19-50368631-T-G.
Other names: short protein forms E84A.
Identifiers: ClinVar variation 1008697 (VCV001008697.9), dbSNP rs2074810716, ClinGen allele CA406890999.

ClinVar aggregate classification (germline): Uncertain significance (1 of 4 stars; one submission).

Conditions:
Developmental and epileptic encephalopathy, 12 (DEE12). Identifiers: MedGen C3150988, MONDO:0013389, OMIM 613722.

Submission:

Labcorp Genetics (formerly Invitae), Labcorp
Classification: Uncertain significance for Developmental and epileptic encephalopathy, 12. Last evaluated: 2022-08-15. Review status: criteria provided, single submitter. Criteria: Invitae Variant Classification Sherloc (09022015). Collection method: clinical testing. Allele origin: germline.
Comment: This sequence change replaces glutamic acid, which is acidic and polar, with alanine, which is neutral and non-polar, at codon 84 of the PNKP protein (p.Glu84Ala). This variant has not been reported in the literature in individuals affected with PNKP-related conditions. This variant is not present in population databases (gnomAD no frequency). ClinVar contains an entry for this variant (Variation ID: 1008697). Algorithms developed to predict the effect of missense changes on protein structure and function (SIFT, PolyPhen-2, Align-GVGD) all suggest that this variant is likely to be tolerated. In summary, the available evidence is currently insufficient to determine the role of this variant in disease. Therefore, it has been classified as a Variant of Uncertain Significance.